The following is an entry in ClinVar:

ClinVar aggregate classification (germline): Uncertain significance (1 of 4 stars; one submission).

Allele frequency attached by ClinVar (database versions not stated): gnomAD exomes 0.00001; TOPMed 0.00002; gnomAD 0.00003; ExAC 0.00005; 1000 Genomes Project 30x 0.00016; 1000 Genomes Project 0.00020.
gnomAD v4.1: 20 of 1,613,978 alleles (0.0012%); highest among the groups gnomAD compares: Middle Eastern, 0.017%; no homozygotes.

Submission:

Labcorp Genetics (formerly Invitae), Labcorp
Classification: Uncertain significance. Last evaluated: 2022-10-05. Review status: criteria provided, single submitter. Criteria: Invitae Variant Classification Sherloc (09022015). Collection method: clinical testing. Allele origin: germline.
Comment: This sequence change replaces arginine, which is basic and polar, with glutamine, which is neutral and polar, at codon 159 of the LAT protein (p.Arg159Gln). This variant is present in population databases (rs544913468, gnomAD 0.01%). This variant has not been reported in the literature in individuals affected with LAT-related conditions. Algorithms developed to predict the effect of missense changes on protein structure and function are either unavailable or do not agree on the potential impact of this missense change (SIFT: "Tolerated"; PolyPhen-2: "Possibly Damaging"; Align-GVGD: "Class C0"). In summary, the available evidence is currently insufficient to determine the role of this variant in disease. Therefore, it has been classified as a Variant of Uncertain Significance.

NM_001014987.2(LAT):c.476G>A (p.Arg159Gln)

Gene: LAT (linker for activation of T cells; plus strand). Cytogenetic location: 16p11.2.
Variant type: single nucleotide variant.
Coding change: c.476G>A on transcript NM_001014987.2 (MANE Select); coding-DNA position 476, G replaced by A.
Protein change: p.Arg159Gln; replaces arginine 159 with glutamine.
Molecular consequence: missense variant.
Genome position (GRCh38, 1-based): chr16:28,986,876, G>A. VCF-style: chr16-28986876-G-A. GRCh37 (hg19) VCF-style: chr16-28998197-G-A.
Other names: c.473G>A, p.Arg158Gln (NM_001014988.2); c.584G>A, p.Arg195Gln (NM_001014989.2); c.563G>A, p.Arg188Gln (NM_014387.4); short protein forms R188Q, R159Q, R195Q, R158Q.
Identifiers: ClinVar variation 2165421 (VCV002165421.1), dbSNP rs544913468, ClinGen allele CA7990025.
Genomic context (GRCh38, chr16:28,986,876, plus strand): 5'-GCACCCCGGCCACTAGCACTGCTGCCCCATCAGCTCCTGCACTCAGCACCCCTGGCATCC[G>A]AGACAGTGCCTTCTCCAGTGAGTCAGGCATTTGTTTTTATTTTTAAATTTTTTTAGGGAT-3'
Protein context (NP_001014987.1, residues 149-169): SAPALSTPGI[Arg159Gln]DSAFSMESID